The following is an entry in ClinVar:

ClinVar aggregate classification (germline): Uncertain significance (1 of 4 stars; one submission).

Conditions:
Long QT syndrome (LQTS). Identifiers: MedGen C0023976, MeSH D008133, MONDO:0002442. Disease mechanism: loss of function. Inheritance: Various modes of inheritance.

Submission:

Labcorp Genetics (formerly Invitae), Labcorp
Classification: Uncertain significance for Long QT syndrome. Last evaluated: 2023-09-01. Review status: criteria provided, single submitter. Criteria: Invitae Variant Classification Sherloc (09022015). Collection method: clinical testing. Allele origin: germline.
Comment: This sequence change replaces glutamic acid, which is acidic and polar, with lysine, which is basic and polar, at codon 42 of the CAV3 protein (p.Glu42Lys). Information on the frequency of this variant in the gnomAD database is not available, as this variant may be reported differently in the database. This variant has not been reported in the literature in individuals affected with CAV3-related conditions. Experimental studies and prediction algorithms are not available or were not evaluated, and the functional significance of this variant is currently unknown. In summary, the available evidence is currently insufficient to determine the role of this variant in disease. Therefore, it has been classified as a Variant of Uncertain Significance.

NM_033337.3(CAV3):c.123_124inv (p.Glu42Lys)

Genes: CAV3 (caveolin 3; plus strand), OXTR (oxytocin receptor; minus strand). Cytogenetic location: 3p25.3.
Variant type: Inversion.
Coding change: c.123_124inv on transcript NM_033337.3 (MANE Select).
Protein change: p.Glu42Lys; replaces glutamic acid 42 with lysine.
Molecular consequence: missense variant.
Genome position: GRCh38 VCF-style: chr3-8745534-TG-CA. GRCh37 (hg19) VCF-style: chr3-8787220-TG-CA.
Other names: c.123_124inv, p.Glu42Lys (NM_001234.5); short protein forms E42K.
Identifiers: ClinVar variation 2730882 (VCV002730882.3), ClinGen allele CA2697550654.
Genomic context (GRCh38, chr3:8,745,534, plus strand): 5'-TGAGAAGCGGGTGGCTTCTGTGAGTTGAGGCTTCCCCTTGCCACCCCTGCAGGTGGATTT[TG>CA]AAGACGTGATCGCAGAGCCTGTGGGCACCTACAGCTTTGACGGCGTGTGGAAGGTGAGCT-3'
Protein context (NP_203123.1, residues 32-52): INEDIVKVDF[Glu42Lys]DVIAEPVGTY